The following is an entry in ClinVar:

NM_001099403.2(PRDM8):c.1408G>A (p.Gly470Ser)

Gene: PRDM8 (PR/SET domain 8; plus strand). Cytogenetic location: 4q21.21.
Variant type: single nucleotide variant.
Coding change: c.1408G>A on transcript NM_001099403.2 (MANE Select); coding-DNA position 1408, G replaced by A.
Protein change: p.Gly470Ser; replaces glycine 470 with serine.
Molecular consequence: missense variant.
Genome position (GRCh38, 1-based): chr4:80,202,870, G>A. VCF-style: chr4-80202870-G-A. GRCh37 (hg19) VCF-style: chr4-81124024-G-A.
Other names: c.1408G>A, p.Gly470Ser (NM_020226.4); short protein forms G470S.
Identifiers: ClinVar variation 1430862 (VCV001430862.5), dbSNP rs932918812, ClinGen allele CA100001012.

ClinVar aggregate classification (germline): Uncertain significance (1 of 4 stars; one submission).

Conditions:
Early-onset Lafora body disease. Also called: Epilepsy, progressive myoclonic, 10. Identifiers: Orphanet 324290, MedGen C4225258, MONDO:0014717, OMIM 616640.

Allele frequency attached by ClinVar (database versions not stated): gnomAD exomes 0.00001; gnomAD 0.00009; TOPMed 0.00009.
gnomAD v4.1: 21 of 1,263,640 alleles (0.0017%); highest among the groups gnomAD compares: African/African-American, 0.028%; no homozygotes.

Submission:

Labcorp Genetics (formerly Invitae), Labcorp
Classification: Uncertain significance for Early-onset Lafora body disease. Last evaluated: 2021-09-02. Review status: criteria provided, single submitter. Criteria: Invitae Variant Classification Sherloc (09022015). Collection method: clinical testing. Allele origin: germline.
Comment: This sequence change replaces glycine with serine at codon 470 of the PRDM8 protein (p.Gly470Ser). The glycine residue is weakly conserved and there is a small physicochemical difference between glycine and serine. The frequency data for this variant in the population databases is considered unreliable, as metrics indicate insufficient coverage at this position in the ExAC database. This variant has not been reported in the literature in individuals affected with PRDM8-related conditions. Algorithms developed to predict the effect of missense changes on protein structure and function are either unavailable or do not agree on the potential impact of this missense change (SIFT: "Deleterious"; PolyPhen-2: "Possibly Damaging"; Align-GVGD: "Class C0"). In summary, the available evidence is currently insufficient to determine the role of this variant in disease. Therefore, it has been classified as a Variant of Uncertain Significance.